The following is an entry in ClinVar:

ClinVar aggregate classification (germline): Uncertain significance (1 of 4 stars; one submission).

Allele frequency attached by ClinVar (database versions not stated): gnomAD exomes below 0.00001; gnomAD 0.00001; TOPMed 0.00001.
gnomAD v4.1: 2 of 1,614,080 alleles (0.00012%); highest among the groups gnomAD compares: Admixed American, 0.0033%; no homozygotes.

Submission:

Labcorp Genetics (formerly Invitae), Labcorp
Classification: Uncertain significance. Last evaluated: 2022-08-12. Review status: criteria provided, single submitter. Criteria: Invitae Variant Classification Sherloc (09022015). Collection method: clinical testing. Allele origin: germline.
Comment: This variant is not present in population databases (gnomAD no frequency). This sequence change replaces isoleucine, which is neutral and non-polar, with leucine, which is neutral and non-polar, at codon 172 of the TGM6 protein (p.Ile172Leu). This variant has not been reported in the literature in individuals affected with TGM6-related conditions. Advanced modeling of protein sequence and biophysical properties (such as structural, functional, and spatial information, amino acid conservation, physicochemical variation, residue mobility, and thermodynamic stability) performed at Invitae indicates that this missense variant is not expected to disrupt TGM6 protein function. In summary, the available evidence is currently insufficient to determine the role of this variant in disease. Therefore, it has been classified as a Variant of Uncertain Significance.

NM_198994.3(TGM6):c.514A>C (p.Ile172Leu)

Gene: TGM6 (transglutaminase 6; plus strand). Cytogenetic location: 20p13.
Variant type: single nucleotide variant.
Coding change: c.514A>C on transcript NM_198994.3 (MANE Select); coding-DNA position 514, A replaced by C.
Protein change: p.Ile172Leu; replaces isoleucine 172 with leucine.
Molecular consequence: missense variant.
Genome position (GRCh38, 1-based): chr20:2,396,595, A>C. VCF-style: chr20-2396595-A-C. GRCh37 (hg19) VCF-style: chr20-2377241-A-C.
Other names: c.514A>C, p.Ile172Leu (NM_001254734.2); short protein forms I172L.
Identifiers: ClinVar variation 1927916 (VCV001927916.5), dbSNP rs1277877782, ClinGen allele CA408010037.